The following is an entry in ClinVar:

ClinVar aggregate classification (germline): Uncertain significance. Review status: criteria provided, multiple submitters, no conflicts (2 of 4 stars). 2 submissions from 2 submitters: Uncertain significance (2). Last evaluated 2025-11-27.

Conditions:
Hereditary nonpolyposis colorectal neoplasms. Identifiers: MedGen C0009405, MeSH D003123.
Hereditary cancer-predisposing syndrome. Also called: Tumor predisposition; Hereditary neoplastic syndrome; Neoplastic Syndromes, Hereditary; Hereditary Cancer Syndrome. Identifiers: Orphanet 140162, MedGen C0027672, MeSH D009386, MONDO:0015356.

Allele frequency attached by ClinVar (database versions not stated): gnomAD exomes below 0.00001.

Submissions (2):

Ambry Genetics
Classification: Uncertain significance for Hereditary cancer-predisposing syndrome. Last evaluated: 2025-11-27. Review status: criteria provided, single submitter. Criteria: Ambry Variant Classification Scheme 2023. Collection method: clinical testing. Allele origin: germline.
Comment: The p.C1275R variant (also known as c.3823T>C), located in coding exon 9 of the MSH6 gene, results from a T to C substitution at nucleotide position 3823. The cysteine at codon 1275 is replaced by arginine, an amino acid with highly dissimilar properties. This amino acid position is not well conserved in available vertebrate species. In addition, the in silico prediction for this alteration is inconclusive. Since supporting evidence is limited at this time, the clinical significance of this alteration remains unclear.

Labcorp Genetics (formerly Invitae), Labcorp
Classification: Uncertain significance for Hereditary nonpolyposis colorectal neoplasms. Last evaluated: 2025-11-11. Review status: criteria provided, single submitter. Criteria: Invitae Variant Classification Sherloc (09022015). Collection method: clinical testing. Allele origin: germline.
Comment: This sequence change replaces cysteine, which is neutral and slightly polar, with arginine, which is basic and polar, at codon 1275 of the MSH6 protein (p.Cys1275Arg). This variant is not present in population databases (gnomAD no frequency). This variant has not been reported in the literature in individuals affected with MSH6-related conditions. ClinVar contains an entry for this variant (Variation ID: 1497703). Invitae Evidence Modeling of protein sequence and biophysical properties (such as structural, functional, and spatial information, amino acid conservation, physicochemical variation, residue mobility, and thermodynamic stability) indicates that this missense variant is not expected to disrupt MSH6 protein function with a negative predictive value of 95%. In summary, the available evidence is currently insufficient to determine the role of this variant in disease. Therefore, it has been classified as a Variant of Uncertain Significance.

NM_000179.3(MSH6):c.3823T>C (p.Cys1275Arg)

Gene: MSH6 (mutS homolog 6; plus strand). Cytogenetic location: 2p16.3.
Variant type: single nucleotide variant.
Coding change: c.3823T>C on transcript NM_000179.3 (MANE Select); coding-DNA position 3823, T replaced by C.
Protein change: p.Cys1275Arg; replaces cysteine 1275 with arginine.
Molecular consequence: missense variant.
Genome position (GRCh38, 1-based): chr2:47,806,473, T>C. VCF-style: chr2-47806473-T-C. GRCh37 (hg19) VCF-style: chr2-48033612-T-C.
Other names: c.3433T>C, p.Cys1145Arg (NM_001281492.2); c.2917T>C, p.Cys973Arg (NM_001281493.2, NM_001281494.2); short protein forms C1275R, C1145R, C973R.
Identifiers: ClinVar variation 1497703 (VCV001497703.11), dbSNP rs1670094883, ClinGen allele CA346761255.